The following is an entry in ClinVar:

ClinVar aggregate classification (germline): Uncertain significance (1 of 4 stars; one submission).

Conditions:
Atrial fibrillation, familial, 14 (ATFB14). Identifiers: MedGen C3809312, MONDO:0014156, OMIM 615378.

Allele frequency attached by ClinVar (database versions not stated): gnomAD exomes below 0.00001.
gnomAD v4.1: 3 of 1,614,080 alleles (0.00019%); highest among the groups gnomAD compares: East Asian, 0.0045%; no homozygotes.

Submission:

Labcorp Genetics (formerly Invitae), Labcorp
Classification: Uncertain significance for Atrial fibrillation, familial, 14. Last evaluated: 2022-02-20. Review status: criteria provided, single submitter. Criteria: Invitae Variant Classification Sherloc (09022015). Collection method: clinical testing. Allele origin: germline.
Comment: In summary, the available evidence is currently insufficient to determine the role of this variant in disease. Therefore, it has been classified as a Variant of Uncertain Significance. Algorithms developed to predict the effect of missense changes on protein structure and function output the following: SIFT: "Deleterious"; PolyPhen-2: "Benign"; Align-GVGD: "Class C0". The serine amino acid residue is found in multiple mammalian species, which suggests that this missense change does not adversely affect protein function. This variant has not been reported in the literature in individuals affected with SCN2B-related conditions. This variant is not present in population databases (gnomAD no frequency). This sequence change replaces proline, which is neutral and non-polar, with serine, which is neutral and polar, at codon 10 of the SCN2B protein (p.Pro10Ser).

NM_004588.5(SCN2B):c.28C>T (p.Pro10Ser)

Gene: SCN2B (sodium voltage-gated channel beta subunit 2; minus strand). Cytogenetic location: 11q23.3.
Variant type: single nucleotide variant.
Coding change: c.28C>T on transcript NM_004588.5 (MANE Select); coding-DNA position 28, C replaced by T.
Protein change: p.Pro10Ser; replaces proline 10 with serine.
Molecular consequence: missense variant.
Genome position (GRCh38, 1-based): chr11:118,176,404, G>A on the plus strand (C>T on the coding strand, the complement: SCN2B is on the minus strand). VCF-style: chr11-118176404-G-A. GRCh37 (hg19) VCF-style: chr11-118047119-G-A.
Other names: short protein forms P10S.
Identifiers: ClinVar variation 2048540 (VCV002048540.4), dbSNP rs1565465474, ClinGen allele CA382771467.
Genomic context (GRCh38, chr11:118,176,404, plus strand): 5'-CAGATGTGTCTAACTTACCCAAAGAGAAAAAGAGACTGAGCCCCGTGAGGCTGAAGGCAG[G>A]GCGAGGTAGCCAGGCATCTCTGTGCATTTTCAGAGACTGAGATGTTAGTCGGGTGGGCTA-3'
Protein context (NP_004579.1, residues 1-20): MHRDAWLPR[Pro10Ser]AFSLTGLSLF